The following is an entry in ClinVar:

NM_000297.4(PKD2):c.794C>T (p.Thr265Met)

Gene: PKD2 (polycystin 2, transient receptor potential cation channel; plus strand). Cytogenetic location: 4q22.1.
Variant type: single nucleotide variant.
Coding change: c.794C>T on transcript NM_000297.4 (MANE Select); coding-DNA position 794, C replaced by T.
Protein change: p.Thr265Met; replaces threonine 265 with methionine.
Molecular consequence: missense variant. On other transcripts: non-coding transcript variant (1).
Genome position (GRCh38, 1-based): chr4:88,036,304, C>T. VCF-style: chr4-88036304-C-T. GRCh37 (hg19) VCF-style: chr4-88957456-C-T.
Other names: short protein forms T265M.
Identifiers: ClinVar variation 1406757 (VCV001406757.9), dbSNP rs569250922, ClinGen allele CA3003804.

ClinVar aggregate classification (germline): Uncertain significance. Review status: criteria provided, multiple submitters, no conflicts (2 of 4 stars). 2 submissions from 2 submitters: Uncertain significance (2). Last evaluated 2025-09-15.

Conditions:
Autosomal dominant polycystic kidney disease. Identifiers: Orphanet 730, MedGen C0085413, MONDO:0004691.

Allele frequency attached by ClinVar (database versions not stated): ExAC 0.00001; gnomAD exomes 0.00001 and 0.00002; TOPMed 0.00003; gnomAD 0.00004; 1000 Genomes Project 0.00020; 1000 Genomes Project 30x 0.00031.
gnomAD v4.1: 23 of 1,613,988 alleles (0.0014%); highest among the groups gnomAD compares: African/African-American, 0.004%; no homozygotes.

Submissions (2):

Women's Health and Genetics/Laboratory Corporation of America, LabCorp
Classification: Uncertain significance. Last evaluated: 2025-09-15. Review status: criteria provided, single submitter. Criteria: LabCorp Variant Classification Summary - May 2015. Collection method: clinical testing. Allele origin: germline.
Comment: Variant summary: PKD2 c.794C>T (p.Thr265Met) results in a non-conservative amino acid change in the encoded protein sequence. Algorithms developed to predict the effect of missense changes on protein structure and function are either unavailable or do not agree on the potential impact of this missense change. The variant allele was found at a frequency of 1.6e-05 in 251158 control chromosomes. The available data on variant occurrences in the general population are insufficient to allow any conclusion about variant significance. To our knowledge, no occurrence of c.794C>T in individuals affected with PKD2-related conditions and no experimental evidence demonstrating its impact on protein function have been reported. ClinVar contains an entry for this variant (Variation ID: 1406757). Based on the evidence outlined above, the variant was classified as uncertain significance.

Labcorp Genetics (formerly Invitae), Labcorp
Classification: Uncertain significance for Autosomal dominant polycystic kidney disease. Last evaluated: 2025-08-04. Review status: criteria provided, single submitter. Criteria: Invitae Variant Classification Sherloc (09022015). Collection method: clinical testing. Allele origin: germline.
Comment: This sequence change replaces threonine, which is neutral and polar, with methionine, which is neutral and non-polar, at codon 265 of the PKD2 protein (p.Thr265Met). This variant is present in population databases (rs569250922, gnomAD 0.01%). This variant has not been reported in the literature in individuals affected with PKD2-related conditions. ClinVar contains an entry for this variant (Variation ID: 1406757). Invitae Evidence Modeling of protein sequence and biophysical properties (such as structural, functional, and spatial information, amino acid conservation, physicochemical variation, residue mobility, and thermodynamic stability) indicates that this missense variant is not expected to disrupt PKD2 protein function with a negative predictive value of 80%. In summary, the available evidence is currently insufficient to determine the role of this variant in disease. Therefore, it has been classified as a Variant of Uncertain Significance.